The following is an entry in ClinVar:

NM_022168.4(IFIH1):c.874+109A>G

Gene: IFIH1 (interferon induced with helicase C domain 1; minus strand). Cytogenetic location: 2q24.2.
Variant type: single nucleotide variant.
Coding change: c.874+109A>G on transcript NM_022168.4 (MANE Select); 109 bases into the intron after coding-DNA position 874, A replaced by G.
Molecular consequence: intron variant.
Genome position (GRCh38, 1-based): chr2:162,293,455, T>C on the plus strand (A>G on the coding strand, the complement: IFIH1 is on the minus strand). VCF-style: chr2-162293455-T-C. GRCh37 (hg19) VCF-style: chr2-163149965-T-C.
Identifiers: ClinVar variation 1264951 (VCV001264951.5), dbSNP rs4664463, ClinGen allele CA11324127.

ClinVar aggregate classification (germline): Benign. Review status: criteria provided, multiple submitters, no conflicts (2 of 4 stars). 3 submissions from 3 submitters: Benign (3). Last evaluated 2024-01-24.

Allele frequency attached by ClinVar (database versions not stated): gnomAD exomes 0.04407; gnomAD 0.15327 and 0.16078; 1000 Genomes Project 0.18910; 1000 Genomes Project 30x 0.19925.
gnomAD v4.1: 44,775 of 631,002 alleles (7.1%); highest among the groups gnomAD compares: African/African-American, 42%; 6,632 homozygotes.

Submissions (3):

Unidad de Genómica Garrahan, Hospital de Pediatría Garrahan
Classification: Benign. Last evaluated: 2024-01-24. Review status: criteria provided, single submitter. Criteria: ACMG Guidelines, 2015. Collection method: clinical testing. Allele origin: germline. Affected: no. Observed: 26 variant alleles.
Comment: This variant is classified as Benign based on local population frequency. This variant was detected in 27% of patients studied by a panel of primary immunodeficiencies. Number of patients: 26. Only high quality variants are reported.

GeneDx
Classification: Benign. Last evaluated: 2021-04-03. Review status: criteria provided, single submitter. Criteria: GeneDx Variant Classification Process June 2021. Collection method: clinical testing. Allele origin: germline. Affected: yes.

Breakthrough Genomics
Classification: Benign. Review status: criteria provided, single submitter. Criteria: ACMG Guidelines, 2015. Collection method: not provided. Allele origin: germline. Inheritance: Autosomal recessive inheritance. Affected: yes.